The following is an entry in ClinVar:

NM_000170.3(GLDC):c.2690G>T (p.Trp897Leu)

Gene: GLDC (glycine decarboxylase; minus strand). Cytogenetic location: 9p24.1.
Variant type: single nucleotide variant.
Coding change: c.2690G>T on transcript NM_000170.3 (MANE Select); coding-DNA position 2690, G replaced by T.
Protein change: p.Trp897Leu; replaces tryptophan 897 with leucine.
Molecular consequence: missense variant.
Genome position (GRCh38, 1-based): chr9:6,536,212, C>A on the plus strand (G>T on the coding strand, the complement: GLDC is on the minus strand). VCF-style: chr9-6536212-C-A. GRCh37 (hg19) VCF-style: chr9-6536212-C-A.
Other names: short protein forms W897L.
Identifiers: ClinVar variation 2572593 (VCV002572593.1), dbSNP rs2489011541, ClinGen allele CA372882951.

ClinVar aggregate classification (germline): Uncertain significance (1 of 4 stars; one submission).

Conditions:
Glycine encephalopathy. Also called: Nonketotic hyperglycinemia; Non-ketotic hyperglycinemia. Identifiers: Orphanet 407, MedGen C0751748, MONDO:0011612, HP:0008288.

Submission:

3billion
Classification: Uncertain significance for Glycine encephalopathy 1. Review status: criteria provided, single submitter. Criteria: ACMG Guidelines, 2015. Collection method: clinical testing. Allele origin: unknown. Affected: yes. Observed: 1 heterozygote.
Comment: The missense variant is not observed in the gnomAD v2.1.1 dataset. In silico tool predictions suggest damaging effect of the variant on gene or gene product (REVEL: 0.90; 3Cnet: 0.91). A different missense change at the the same codon (p.Trp897Cys) has been reported to be associated with GLDC-related disorder (PMID: 21316884). However, the evidence of pathogenicity is insufficient at this time. Therefore, this variant is classified as Uncertain significance according to the recommendation of ACMG/AMP guideline.

Literature cited by the submitters: PubMed 21316884.